The following is an entry in ClinVar:

ClinVar aggregate classification (germline): Uncertain significance (1 of 4 stars; one submission).

Conditions:
Developmental and epileptic encephalopathy, 36 (DEE36). Also called: Congenital disorder of glycosylation, type Is; Epileptic encephalopathy, early infantile, 36; ALG13-CDG. Identifiers: Orphanet 324422, MedGen C4317295, MONDO:0010472, OMIM 300884.

Submission:

Labcorp Genetics (formerly Invitae), Labcorp
Classification: Uncertain significance for Developmental and epileptic encephalopathy, 36. Last evaluated: 2025-05-22. Review status: criteria provided, single submitter. Criteria: Invitae Variant Classification Sherloc (09022015). Collection method: clinical testing. Allele origin: germline.
Comment: This variant, c.2787_2798dup, results in the insertion of 4 amino acid(s) of the ALG13 protein (p.Pro942_Pro945dup), but otherwise preserves the integrity of the reading frame. This variant is not present in population databases (gnomAD no frequency). This variant has not been reported in the literature in individuals affected with ALG13-related conditions. ClinVar contains an entry for this variant (Variation ID: 841289). Experimental studies and prediction algorithms are not available or were not evaluated, and the functional significance of this variant is currently unknown. In summary, the available evidence is currently insufficient to determine the role of this variant in disease. Therefore, it has been classified as a Variant of Uncertain Significance.

NM_001099922.3(ALG13):c.2754ACC[19] (p.Pro942_Pro945dup)

Gene: ALG13 (ALG13 UDP-N-acetylglucosaminyltransferase subunit; plus strand). Cytogenetic location: Xq23.
Variant type: Microsatellite.
Coding change: c.2754ACC[19] on transcript NM_001099922.3 (MANE Select); 19 copies in a row of the 3-base unit ACC starting at c.2754; the reference has 15 copies in a row; four copies, 12 bases duplicated.
Protein change: p.Pro942_Pro945dup.
Molecular consequence: inframe insertion. On other transcripts: intron variant (5).
Genome position (GRCh38, 1-based): chrX:111,744,759-111,744,770, ACCACCACCACC duplicated; duplicating any 12 consecutive bases within chrX:111,744,726-111,744,770 gives the same sequence; the position shown is the placement nearest the transcript's 3' end. VCF-style (leftmost placement, unchanged base first): chrX-111744725-T-TACCACCACCACC. GRCh37 (hg19) VCF-style: chrX-110987953-T-TACCACCACCACC.
Other names: c.2520ACC[19], p.Pro864_Pro867dup (NM_001257231.2); c.2383+7847ACC[19] (NM_001257237.2, NM_001257234.2, NM_001257230.2); c.2209+7847ACC[19] (NM_001324293.1); c.2695+7847ACC[19] (NM_001324292.2).
Identifiers: ClinVar variation 841289 (VCV000841289.6), dbSNP rs750710267, ClinGen allele CA916083995.